The following is an entry in ClinVar:

ClinVar aggregate classification (germline): Likely benign. Review status: criteria provided, multiple submitters, no conflicts (2 of 4 stars). 3 submissions from 3 submitters: Likely benign (3). Last evaluated 2026-04-14.

Conditions:
LRP5-related disorder. Also called: LRP5-related condition.

Allele frequency attached by ClinVar (database versions not stated): gnomAD 0.00006; ExAC 0.00007; TOPMed 0.00007.
gnomAD v4.1: 74 of 1,612,624 alleles (0.0046%); highest among the groups gnomAD compares: Middle Eastern, 0.019%; no homozygotes.

Submissions (3):

PreventionGenetics, part of Exact Sciences
Classification: Likely benign for LRP5-related condition. Last evaluated: 2026-04-14. Review status: criteria provided, single submitter. Criteria: ACMG Guidelines, 2015. Collection method: clinical testing. Allele origin: germline.
Comment: This variant is classified as likely benign based on ACMG/AMP sequence variant interpretation guidelines (Richards et al. 2015 PMID: 25741868, with internal and published modifications).

Labcorp Genetics (formerly Invitae), Labcorp
Classification: Likely benign. Last evaluated: 2025-12-30. Review status: criteria provided, single submitter. Criteria: Invitae Variant Classification Sherloc (09022015). Collection method: clinical testing. Allele origin: germline.

Blueprint Genetics
Classification: Likely benign. Last evaluated: 2024-03-14. Review status: criteria provided, single submitter. Criteria: ACMG Guidelines, 2015. Collection method: clinical testing. Allele origin: germline.

NM_002335.4(LRP5):c.1801+8C>T

Gene: LRP5 (LDL receptor related protein 5; plus strand). Cytogenetic location: 11q13.2.
Variant type: single nucleotide variant.
Coding change: c.1801+8C>T on transcript NM_002335.4 (MANE Select); 8 bases into the intron after coding-DNA position 1801, C replaced by T.
Molecular consequence: intron variant.
Genome position (GRCh38, 1-based): chr11:68,403,707, C>T. VCF-style: chr11-68403707-C-T. GRCh37 (hg19) VCF-style: chr11-68171175-C-T.
Other names: c.-137+8C>T (NM_001291902.2); c.1801+8C>T (NM_002335.3).
Identifiers: ClinVar variation 2061804 (VCV002061804.6), dbSNP rs774060807, ClinGen allele CA6149430.
Genomic context (GRCh38, chr11:68,403,707, plus strand): 5'-CCAGCTGCCCGACCTGATGGGGCTCAAAGCTGTGAATGTGGCCAAGGTCGTCGGTGAGTC[C>T]GGGGGGTCCCAAGCCATGGCTCAGCCATGCAGACTTGCATGAGGAGGAAGTGACGGGTCC-3'